The following is an entry in ClinVar:

NM_002739.5(PRKCG):c.642G>A (p.Thr214=)

Gene: PRKCG (protein kinase C gamma; plus strand). Cytogenetic location: 19q13.42.
Variant type: single nucleotide variant.
Coding change: c.642G>A on transcript NM_002739.5 (MANE Select); coding-DNA position 642, G replaced by A.
Protein change: p.Thr214=; no amino-acid change (threonine 214 retained).
Molecular consequence: synonymous variant.
Genome position (GRCh38, 1-based): chr19:53,891,786, G>A. VCF-style: chr19-53891786-G-A. GRCh37 (hg19) VCF-style: chr19-54395040-G-A.
Other names: c.642G>A (LRG_669t1, NM_002739.4); c.642G>A, p.Thr214= (NM_001316329.2).
Identifiers: ClinVar variation 330062 (VCV000330062.23), dbSNP rs77550964, ClinGen allele CA9640354.
Genomic context (GRCh38, chr19:53,891,786, plus strand): 5'-CTATGTGAAACTGAAGCTCATCCCAGACCCTCGGAACCTGACGAAACAGAAGACCCGAAC[G>A]GTGAAAGCCACGCTAAACCCTGTGTGGAATGAGACCTTTGTGTTGTGAGTCTGGGGTGCA-3'
Protein context (NP_002730.1, residues 204-224): PRNLTKQKTR[Thr214=]VKATLNPVWN

ClinVar aggregate classification (germline): Benign/Likely benign. Review status: criteria provided, multiple submitters, no conflicts (2 of 4 stars). 5 submissions from 5 submitters: Benign (2); Likely benign (2). 1 of the submissions does not count toward it. Last evaluated 2026-09-01.

Conditions:
PRKCG-related disorder. Also called: PRKCG-related condition.
Spinocerebellar ataxia type 14 (SCA14). Identifiers: Orphanet 98763, MedGen C1854369, MONDO:0011540, OMIM 605361.

Allele frequency attached by ClinVar (database versions not stated): 1000 Genomes Project 30x 0.00031; 1000 Genomes Project 0.00040; gnomAD exomes 0.00059 and 0.00132; gnomAD 0.00095 and 0.00099; ExAC 0.00157; TOPMed 0.00018; ESP Exome Variant Server 0.00023.
gnomAD v4.1: 1,026 of 1,614,086 alleles (0.064%); highest among the groups gnomAD compares: Non-Finnish European, 0.033%; 2 homozygotes.

Submissions (5):

CeGaT Center for Human Genetics Tuebingen
Classification: Likely benign. Last evaluated: 2026-09-01. Review status: criteria provided, single submitter. Criteria: CeGaT Center For Human Genetics Tuebingen Variant Classification Criteria Version 2. Collection method: clinical testing. Allele origin: germline. Affected: yes. Observed: 2 variant alleles.
Comment: PRKCG: BP4, BP7

Athena Diagnostics
Classification: Benign. Last evaluated: 2025-02-21. Review status: criteria provided, single submitter. Criteria: Athena Diagnostics Criteria. Collection method: clinical testing. Allele origin: unknown.
Comment: The frequency of this variant in the general population is higher than would generally be expected for pathogenic variants in this gene.

Blueprint Genetics
Classification: Likely benign. Last evaluated: 2024-11-26. Review status: criteria provided, single submitter. Criteria: ACMG Guidelines, 2015. Collection method: clinical testing. Allele origin: germline.

Illumina Laboratory Services, Illumina
Classification: Benign for Spinocerebellar ataxia type 14. Last evaluated: 2018-01-13. Review status: criteria provided, single submitter. Criteria: ICSL Variant Classification Criteria 13 December 2019. Collection method: clinical testing. Allele origin: germline.
Comment: This variant was observed in the ICSL laboratory as part of a predisposition screen in an ostensibly healthy population. It had not been previously curated by ICSL or reported in the Human Gene Mutation Database (HGMD: prior to June 1st, 2018), and was therefore a candidate for classification through an automated scoring system. Utilizing variant allele frequency, disease prevalence and penetrance estimates, and inheritance mode, an automated score was calculated to assess if this variant is too frequent to cause the disease. Based on the score and internal cut-off values, a variant classified as benign is not then subjected to further curation. The score for this variant resulted in a classification of benign for this disease.

PreventionGenetics, part of Exact Sciences
Classification: Likely benign for PRKCG-related condition. Last evaluated: 2020-12-21. Review status: no assertion criteria provided. Collection method: clinical testing. Allele origin: germline. Not counted in ClinVar's aggregate classification.
Comment: This variant is classified as likely benign based on ACMG/AMP sequence variant interpretation guidelines (Richards et al. 2015 PMID: 25741868, with internal and published modifications).